The following is an entry in ClinVar:

ClinVar aggregate classification (germline): Pathogenic. Review status: reviewed by expert panel (3 of 4 stars). 4 submissions from 4 submitters: Pathogenic (1). 3 of the submissions do not count toward it. Last evaluated 2017-03-17.

Conditions:
CFTR-related disorder (CFTR-RD). Also called: CFTR-related disorders; CFTR-related condition. Identifiers: MedGen C5924204, MONDO:7770004.
Cystic fibrosis (CF). Also called: MUCOVISCIDOSIS. Identifiers: Orphanet 586, MedGen C0010674, MONDO:0009061, OMIM 219700. Disease mechanism: loss of function.

Submissions (4):

CFTR2
Classification: Pathogenic for Cystic fibrosis. Last evaluated: 2017-03-17. Review status: reviewed by expert panel. Criteria: Sosnay PR et al. (Nat Genet 2013). Collection method: research. Allele origin: germline. Affected: yes. Study: CFTR2.

Johns Hopkins Genomics, Johns Hopkins University
Classification: Pathogenic for Cystic fibrosis. Last evaluated: 2020-12-22. Review status: criteria provided, single submitter. Criteria: ACMG Guidelines, 2015. Collection method: clinical testing. Allele origin: germline. Not counted in ClinVar's aggregate classification.

Quest Diagnostics Nichols Institute San Juan Capistrano
Classification: Pathogenic. Last evaluated: 2019-10-16. Review status: criteria provided, single submitter. Criteria: Quest Diagnostics criteria. Collection method: clinical testing. Allele origin: unknown. Not counted in ClinVar's aggregate classification.
Comment: The variant creates a premature nonsense codon, and is therefore predicted to result in the loss of a functional protein. Found in at least one patient with expected phenotype for this gene, and not found in general population data.

Natera, Inc.
Classification: Pathogenic for CFTR-related disorders. Last evaluated: 2017-03-17. Review status: no assertion criteria provided. Collection method: clinical testing. Allele origin: germline. Not counted in ClinVar's aggregate classification.

Literature cited by the submitters: PubMed 23587593 (cited by Quest Diagnostics Nichols Institute San Juan Capistrano).

NM_000492.4(CFTR):c.57G>A (p.Trp19Ter)

Gene: CFTR (CF transmembrane conductance regulator; plus strand). Cytogenetic location: 7q31.2.
Variant type: single nucleotide variant.
Coding change: c.57G>A on transcript NM_000492.4 (MANE Select); coding-DNA position 57, G replaced by A.
Protein change: p.Trp19Ter; replaces tryptophan 19 with a stop codon.
Molecular consequence: nonsense.
Genome position (GRCh38, 1-based): chr7:117,504,256, G>A. VCF-style: chr7-117504256-G-A. GRCh37 (hg19) VCF-style: chr7-117144310-G-A.
Other names: short protein forms W19*.
Identifiers: ClinVar variation 487391 (VCV000487391.4), dbSNP rs397508762, ClinGen allele CA368986807.
Genomic context (GRCh38, chr7:117,504,256, plus strand): 5'-CAAATCTGTATGGAGACCAAATCAAGTGAATATCTGTTCCTCCTCTCTTTATTTTAGCTG[G>A]ACCAGACCAATTTTGAGGAAAGGATACAGACAGCGCCTGGAATTGTCAGACATATACCAA-3'